The following is an entry in ClinVar:

ClinVar aggregate classification (germline): Likely benign. Review status: criteria provided, single submitter (1 of 4 stars). 2 submissions from 2 submitters: Likely benign (1). 1 of the submissions does not count toward it. Last evaluated 2024-11-05.

Conditions:
NLRP2-related disorder. Also called: NLRP2-related condition.

Allele frequency attached by ClinVar (database versions not stated): ExAC 0.00074; 1000 Genomes Project 0.00280; 1000 Genomes Project 30x 0.00297; gnomAD 0.00326; ESP Exome Variant Server 0.00346; TOPMed 0.00416.

Submissions (2):

Blueprint Genetics
Classification: Likely benign. Last evaluated: 2024-11-05. Review status: criteria provided, single submitter. Criteria: ACMG Guidelines, 2015. Collection method: clinical testing. Allele origin: germline.

PreventionGenetics, part of Exact Sciences
Classification: Benign for NLRP2-related condition. Last evaluated: 2019-11-26. Review status: no assertion criteria provided. Collection method: clinical testing. Allele origin: germline. Not counted in ClinVar's aggregate classification.
Comment: This variant is classified as benign based on ACMG/AMP sequence variant interpretation guidelines (Richards et al. 2015 PMID: 25741868, with internal and published modifications).

NM_017852.5(NLRP2):c.1596T>C (p.Ile532=)

Gene: NLRP2 (NLR family pyrin domain containing 2; plus strand). Cytogenetic location: 19q13.42.
Variant type: single nucleotide variant.
Coding change: c.1596T>C on transcript NM_017852.5 (MANE Select); coding-DNA position 1596, T replaced by C.
Protein change: p.Ile532=; no amino-acid change (isoleucine 532 retained).
Molecular consequence: synonymous variant. On other transcripts: non-coding transcript variant (1).
Genome position (GRCh38, 1-based): chr19:54,983,294, T>C. VCF-style: chr19-54983294-T-C. GRCh37 (hg19) VCF-style: chr19-55494662-T-C.
Other names: c.1596T>C, p.Ile532= (NM_001174081.3); c.1530T>C, p.Ile510= (NM_001174082.3); c.1527T>C, p.Ile509= (NM_001174083.2); c.1587T>C, p.Ile529= (NM_001348003.2).
Identifiers: ClinVar variation 3033171 (VCV003033171.3), dbSNP rs151178619, ClinGen allele CA310105075.